The following is an entry in ClinVar:

ClinVar aggregate classification (germline): Uncertain significance (1 of 4 stars; one submission).

Conditions:
Severe combined immunodeficiency due to IKK2 deficiency. Also called: Immunodeficiency 15; IMMUNODEFICIENCY 15B. Identifiers: Orphanet 397787, MedGen C4747743, MONDO:0014267, OMIM 615592.

Submission:

Labcorp Genetics (formerly Invitae), Labcorp
Classification: Uncertain significance for Severe combined immunodeficiency due to IKK2 deficiency. Last evaluated: 2024-04-20. Review status: criteria provided, single submitter. Criteria: Invitae Variant Classification Sherloc (09022015). Collection method: clinical testing. Allele origin: germline.
Comment: This sequence change replaces proline, which is neutral and non-polar, with serine, which is neutral and polar, at codon 71 of the IKBKB protein (p.Pro71Ser). This variant is not present in population databases (gnomAD no frequency). This variant has not been reported in the literature in individuals affected with IKBKB-related conditions. Advanced modeling of protein sequence and biophysical properties (such as structural, functional, and spatial information, amino acid conservation, physicochemical variation, residue mobility, and thermodynamic stability) performed at Invitae indicates that this missense variant is expected to disrupt IKBKB protein function with a positive predictive value of 95%. In summary, the available evidence is currently insufficient to determine the role of this variant in disease. Therefore, it has been classified as a Variant of Uncertain Significance.

NM_001556.3(IKBKB):c.211C>T (p.Pro71Ser)

Gene: IKBKB (inhibitor of nuclear factor kappa B kinase subunit beta; plus strand). Cytogenetic location: 8p11.21.
Variant type: single nucleotide variant.
Coding change: c.211C>T on transcript NM_001556.3 (MANE Select); coding-DNA position 211, C replaced by T.
Protein change: p.Pro71Ser; replaces proline 71 with serine.
Molecular consequence: missense variant. On other transcripts: non-coding transcript variant (3).
Genome position (GRCh38, 1-based): chr8:42,290,166, C>T. VCF-style: chr8-42290166-C-T. GRCh37 (hg19) VCF-style: chr8-42147684-C-T.
Other names: c.19C>T, p.Pro7Ser (NM_001190720.3); c.34C>T, p.Pro12Ser (NM_001242778.2); short protein forms P12S, P71S, P7S.
Identifiers: ClinVar variation 3630400 (VCV003630400.2).